The following is an entry in ClinVar:

NM_001127644.2(GABRA1):c.1108C>A (p.Pro370Thr)

Gene: GABRA1 (gamma-aminobutyric acid type A receptor subunit alpha1; plus strand). Cytogenetic location: 5q34.
Variant type: single nucleotide variant.
Coding change: c.1108C>A on transcript NM_001127644.2 (MANE Select); coding-DNA position 1108, C replaced by A.
Protein change: p.Pro370Thr; replaces proline 370 with threonine.
Molecular consequence: missense variant.
Genome position (GRCh38, 1-based): chr5:161,897,159, C>A. VCF-style: chr5-161897159-C-A. GRCh37 (hg19) VCF-style: chr5-161324165-C-A.
Other names: c.1108C>A, p.Pro370Thr (NM_000806.5, NM_001127643.2, NM_001127645.2 and 1 more transcripts); short protein forms P370T.
Identifiers: ClinVar variation 571668 (VCV000571668.10), dbSNP rs1424508480, ClinGen allele CA362180671.

ClinVar aggregate classification (germline): Uncertain significance. Review status: criteria provided, multiple submitters, no conflicts (2 of 4 stars). 3 submissions from 3 submitters: Uncertain significance (3). Last evaluated 2026-03-10.

Conditions:
Epilepsy, idiopathic generalized, susceptibility to, 13. Also called: EPILEPSY, JUVENILE MYOCLONIC, SUSCEPTIBILITY TO, 5. Identifiers: Orphanet 307, Orphanet 64280, MedGen C4013473, MONDO:0012627, OMIM 611136.
Idiopathic generalized epilepsy. Also called: Generalised epilepsy; EIG. Identifiers: MedGen C0270850, MONDO:0005579, OMIM 600669.
Epilepsy, childhood absence 4 (ECA4). Also called: EPILEPSY, CHILDHOOD ABSENCE, SUSCEPTIBILITY TO, 4. Identifiers: Orphanet 307, MedGen C1970160.
Inborn genetic diseases. Identifiers: MedGen C0950123, MeSH D030342.

Allele frequency attached by ClinVar (database versions not stated): gnomAD 0.00001; TOPMed 0.00001.
gnomAD v4.1: 1 of 1,613,948 alleles (0.000062%); highest among the groups gnomAD compares: African/African-American, 0.0013%; no homozygotes.

Submissions (3):

GeneDx
Classification: Uncertain significance. Last evaluated: 2026-03-10. Review status: criteria provided, single submitter. Criteria: GeneDx Variant Classification Process June 2021. Collection method: clinical testing. Allele origin: germline.
Comment: Not observed at significant frequency in large population cohorts (gnomAD); In silico analysis suggests that this missense variant does not alter protein structure/function; Has not been previously published as pathogenic or benign to our knowledge

Ambry Genetics
Classification: Uncertain significance for Inborn genetic diseases. Last evaluated: 2025-10-14. Review status: criteria provided, single submitter. Criteria: Ambry Variant Classification Scheme 2023. Collection method: clinical testing. Allele origin: germline.

Labcorp Genetics (formerly Invitae), Labcorp
Classification: Uncertain significance for Epilepsy, childhood absence 4; Epilepsy, idiopathic generalized, susceptibility to, 13; Idiopathic generalized epilepsy. Last evaluated: 2025-02-24. Review status: criteria provided, single submitter. Criteria: Invitae Variant Classification Sherloc (09022015). Collection method: clinical testing. Allele origin: germline.
Comment: This sequence change replaces proline, which is neutral and non-polar, with threonine, which is neutral and polar, at codon 370 of the GABRA1 protein (p.Pro370Thr). This variant is not present in population databases (gnomAD no frequency). This variant has not been reported in the literature in individuals affected with GABRA1-related conditions. ClinVar contains an entry for this variant (Variation ID: 571668). Invitae Evidence Modeling of protein sequence and biophysical properties (such as structural, functional, and spatial information, amino acid conservation, physicochemical variation, residue mobility, and thermodynamic stability) indicates that this missense variant is not expected to disrupt GABRA1 protein function with a negative predictive value of 80%. In summary, the available evidence is currently insufficient to determine the role of this variant in disease. Therefore, it has been classified as a Variant of Uncertain Significance.

Literature cited by the submitters: PubMed 31440721 (cited by Ambry Genetics).